The following is an entry in ClinVar:

ClinVar aggregate classification (germline): Uncertain significance (1 of 4 stars; one submission).

Conditions:
Familial cancer of breast. Also called: Hereditary breast cancer; hereditary breast carcinoma; BREAST CANCER, FAMILIAL. Identifiers: Orphanet 227535, MedGen C0346153, MONDO:0016419, OMIM 114480. Disease mechanism: loss of function.
Fanconi anemia complementation group J. Also called: BRIP1-Related Fanconi Anemia. Identifiers: Orphanet 84, MedGen C1836860, MONDO:0012187, OMIM 609054.

Submission:

Labcorp Genetics (formerly Invitae), Labcorp
Classification: Uncertain significance for Familial cancer of breast; Fanconi anemia complementation group J. Last evaluated: 2016-12-14. Review status: criteria provided, single submitter. Criteria: Invitae Variant Classification Sherloc (09022015). Collection method: clinical testing. Allele origin: germline.
Comment: Nucleotide substitutions within the consensus splice site are relatively common causes of aberrant splicing (PMID: 17576681, 9536098). Algorithms developed to predict the effect of nucleotide changes on RNA splicing suggest that this variant may alter RNA splicing, but this prediction has not been confirmed by published transcriptional studies. In summary, this is a novel intronic change with uncertain impact on splicing. It has been classified as a Variant of Uncertain Significance. This sequence change falls in intron 9 of the BRIP1 gene. It does not directly change the encoded amino acid sequence of the BRIP1 protein, but it affects a nucleotide within the consensus splice site of the intron. This variant is not present in population databases (ExAC no frequency) and has not been reported in the literature in individuals with a BRIP1-related disease.

Literature cited by the submitters: PubMed 17576681; PubMed 9536098.

NM_032043.3(BRIP1):c.1340+3A>C

Gene: BRIP1 (BRCA1 interacting DNA helicase 1; minus strand). Cytogenetic location: 17q23.2.
Variant type: single nucleotide variant.
Coding change: c.1340+3A>C on transcript NM_032043.3 (MANE Select); 3 bases into the intron after coding-DNA position 1340, A replaced by C.
Molecular consequence: intron variant.
Genome position (GRCh38, 1-based): chr17:61,799,097, T>G on the plus strand (A>C on the coding strand, the complement: BRIP1 is on the minus strand). VCF-style: chr17-61799097-T-G. GRCh37 (hg19) VCF-style: chr17-59876458-T-G.
Identifiers: ClinVar variation 407857 (VCV000407857.8), dbSNP rs1060501770, ClinGen allele CA16615497.